The following is an entry in ClinVar:

NM_016648.4(LARP7):c.261G>T (p.Gly87=)

Gene: LARP7 (La ribonucleoprotein 7, transcriptional regulator; plus strand). Cytogenetic location: 4q25.
Variant type: single nucleotide variant.
Coding change: c.261G>T on transcript NM_016648.4 (MANE Select); coding-DNA position 261, G replaced by T.
Protein change: p.Gly87=; no amino-acid change (glycine 87 retained).
Molecular consequence: synonymous variant.
Genome position (GRCh38, 1-based): chr4:112,646,409, G>T. VCF-style: chr4-112646409-G-T. GRCh37 (hg19) VCF-style: chr4-113567565-G-T.
Other names: c.261G>T, p.Gly87= (NM_001267039.4, NM_001370974.1, NM_001370975.1 and 6 more transcripts); c.24G>T, p.Gly8= (NM_001370981.1, NM_001370982.1).
Identifiers: ClinVar variation 4691413 (VCV004691413.1).

ClinVar aggregate classification (germline): Uncertain significance (1 of 4 stars; one submission).

Submission:

Labcorp Genetics (formerly Invitae), Labcorp
Classification: Uncertain significance. Last evaluated: 2025-09-05. Review status: criteria provided, single submitter. Criteria: Invitae Variant Classification Sherloc (09022015). Collection method: clinical testing. Allele origin: germline.
Comment: This sequence change affects codon 87 of the LARP7 mRNA. It is a 'silent' change, meaning that it does not change the encoded amino acid sequence of the LARP7 protein. This variant is present in population databases (rs377696889, gnomAD 0.0008%). This variant has not been reported in the literature in individuals affected with LARP7-related conditions. Algorithms developed to predict the effect of sequence changes on RNA splicing suggest that this variant may create or strengthen a splice site. In summary, the available evidence is currently insufficient to determine the role of this variant in disease. Therefore, it has been classified as a Variant of Uncertain Significance.